The following is an entry in ClinVar:

Conditions:
Breast-ovarian cancer, familial, susceptibility to, 1 (BROVCA1). Also called: BRCA1 Hereditary Breast and Ovarian Cancer; OVARIAN CANCER, SUSCEPTIBILITY TO. Identifiers: Orphanet 145, MedGen C2676676, MONDO:0011450, OMIM 604370. Disease mechanism: loss of function.

Submission:

Brotman Baty Institute, University of Washington
No classification provided (evidence only). Condition: Breast-ovarian cancer, familial 1. Review status: no classification provided. Collection method: in vitro. Allele origin: not applicable. Functional consequence: functionally_normal.
ClinVar note: "not provided" was previously submitted as the classification for the variant. However, the classification appeared to be based only on an observation of functional data so it was converted to no classification on 2025-07-30.

NM_007294.4(BRCA1):c.5193+23T>C

Gene: BRCA1 (BRCA1 DNA repair associated; minus strand). Cytogenetic location: 17q21.31.
Variant type: single nucleotide variant.
Coding change: c.5193+23T>C on transcript NM_007294.4 (MANE Select); 23 bases into the intron after coding-DNA position 5193, T replaced by C.
Molecular consequence: intron variant.
Genome position (GRCh38, 1-based): chr17:43,063,310, A>G on the plus strand (T>C on the coding strand, the complement: BRCA1 is on the minus strand). VCF-style: chr17-43063310-A-G. GRCh37 (hg19) VCF-style: chr17-41215327-A-G.
Other names: c.4992+23T>C (NM_001407862.1); c.1872+23T>C (NM_001408409.1); c.5109+23T>C (NM_001407663.1, NM_001407659.1, NM_001407662.1 and 2 more transcripts); c.5112+23T>C (NM_001407658.1, NM_001407656.1, NM_001407657.1); c.5115+23T>C (NM_001407653.1, NM_001407655.1, NM_001407654.1 and 1 more transcripts); c.4854+23T>C (NM_001407958.1, NM_001407956.1, NM_001407957.1); c.4857+23T>C (NM_001407955.1, NM_001407951.1, NM_001407954.1 and 3 more transcripts); c.1668+23T>C (NM_001408493.1, NM_001408492.1); and 72 more.
Identifiers: ClinVar variation 868149 (VCV000868149.3), dbSNP rs2051848700, ClinGen allele CA916079988.